The following is an entry in ClinVar:

NM_003105.6(SORL1):c.1781G>C (p.Ser594Thr)

Gene: SORL1 (sortilin related receptor 1; plus strand). Cytogenetic location: 11q24.1.
Variant type: single nucleotide variant.
Coding change: c.1781G>C on transcript NM_003105.6 (MANE Select); coding-DNA position 1781, G replaced by C.
Protein change: p.Ser594Thr; replaces serine 594 with threonine.
Molecular consequence: missense variant.
Genome position (GRCh38, 1-based): chr11:121,543,643, G>C. VCF-style: chr11-121543643-G-C. GRCh37 (hg19) VCF-style: chr11-121414352-G-C.
Other names: short protein forms S594T.
Identifiers: ClinVar variation 1487624 (VCV001487624.8), dbSNP rs368569394, ClinGen allele CA6328737.

ClinVar aggregate classification (germline): Uncertain significance (1 of 4 stars; one submission).

Allele frequency attached by ClinVar (database versions not stated): gnomAD 0.00001; gnomAD exomes 0.00001; TOPMed 0.00001; ESP Exome Variant Server 0.00008; ExAC 0.00001.
gnomAD v4.1: 14 of 1,613,938 alleles (0.00087%); highest among the groups gnomAD compares: Admixed American, 0.0017%; no homozygotes.

Submission:

Labcorp Genetics (formerly Invitae), Labcorp
Classification: Uncertain significance. Last evaluated: 2021-04-30. Review status: criteria provided, single submitter. Criteria: Invitae Variant Classification Sherloc (09022015). Collection method: clinical testing. Allele origin: germline.
Comment: This sequence change replaces serine with threonine at codon 594 of the SORL1 protein (p.Ser594Thr). The serine residue is highly conserved and there is a small physicochemical difference between serine and threonine. This variant is present in population databases (rs368569394, ExAC 0.001%). This variant has not been reported in the literature in individuals with SORL1-related conditions. Algorithms developed to predict the effect of missense changes on protein structure and function (SIFT, PolyPhen-2, Align-GVGD) all suggest that this variant is likely to be disruptive, but these predictions have not been confirmed by published functional studies and their clinical significance is uncertain. In summary, the available evidence is currently insufficient to determine the role of this variant in disease. Therefore, it has been classified as a Variant of Uncertain Significance.